The following is an entry in ClinVar:

ClinVar aggregate classification (germline): Uncertain significance. Review status: criteria provided, multiple submitters, no conflicts (2 of 4 stars). 2 submissions from 2 submitters: Uncertain significance (2). Last evaluated 2024-06-19.

Conditions:
Mitochondrial complex III deficiency nuclear type 7. Identifiers: MedGen C4014408, MONDO:0014356, OMIM 615824.

Allele frequency attached by ClinVar (database versions not stated): TOPMed below 0.00001.
gnomAD v4.1: 22 of 1,613,778 alleles (0.0014%); highest among the groups gnomAD compares: Non-Finnish European, 0.0016%; no homozygotes.

Submissions (2):

Fulgent Genetics
Classification: Uncertain significance for Mitochondrial complex III deficiency nuclear type 7. Last evaluated: 2024-06-19. Review status: criteria provided, single submitter. Criteria: ACMG Guidelines, 2015. Collection method: clinical testing. Allele origin: germline.

Labcorp Genetics (formerly Invitae), Labcorp
Classification: Uncertain significance. Last evaluated: 2022-11-29. Review status: criteria provided, single submitter. Criteria: Invitae Variant Classification Sherloc (09022015). Collection method: clinical testing. Allele origin: germline.
Comment: This sequence change falls in intron 3 of the UQCC2 gene. It does not directly change the encoded amino acid sequence of the UQCC2 protein. It affects a nucleotide within the consensus splice site. This variant is present in population databases (no rsID available, gnomAD 0.0009%). This variant has not been reported in the literature in individuals affected with UQCC2-related conditions. Variants that disrupt the consensus splice site are a relatively common cause of aberrant splicing (PMID: 17576681, 9536098). Algorithms developed to predict the effect of sequence changes on RNA splicing suggest that this variant may disrupt the consensus splice site. In summary, the available evidence is currently insufficient to determine the role of this variant in disease. Therefore, it has been classified as a Variant of Uncertain Significance.

Literature cited by the submitters: PubMed 17576681 (cited by Labcorp Genetics (formerly Invitae), Labcorp); PubMed 9536098 (cited by Labcorp Genetics (formerly Invitae), Labcorp).

NM_032340.4(UQCC2):c.283+3A>C

Gene: UQCC2 (ubiquinol-cytochrome c reductase complex assembly factor 2; minus strand). Cytogenetic location: 6p21.31.
Variant type: single nucleotide variant.
Coding change: c.283+3A>C on transcript NM_032340.4 (MANE Select); 3 bases into the intron after coding-DNA position 283, A replaced by C.
Molecular consequence: intron variant.
Genome position (GRCh38, 1-based): chr6:33,700,441, T>G on the plus strand (A>C on the coding strand, the complement: UQCC2 is on the minus strand). VCF-style: chr6-33700441-T-G. GRCh37 (hg19) VCF-style: chr6-33668218-T-G.
Identifiers: ClinVar variation 2980796 (VCV002980796.4), dbSNP rs775983068, ClinGen allele CA566437175.